The following is an entry in ClinVar:

ClinVar aggregate classification (germline): Conflicting classifications of pathogenicity. Review status: criteria provided, conflicting classifications (1 of 4 stars). 6 submissions from 6 submitters: Uncertain significance (1); Likely benign (5). Last evaluated 2025-12-03.

Conditions:
Cardiomyopathy (CMYO). Also called: Cardiomyopathies. Identifiers: Orphanet 167848, MedGen C0878544, MONDO:0004994, HP:0001638. Inheritance: Various modes of inheritance.
Cardiovascular phenotype. Identifiers: MedGen CN230736.
Dilated cardiomyopathy 1G (CMD1G). Identifiers: Orphanet 154, MedGen C1858763, MONDO:0011400, OMIM 604145.
Autosomal recessive limb-girdle muscular dystrophy type 2J (LGMDR10). Also called: Limb-girdle muscular dystrophy, type 2J; MUSCULAR DYSTROPHY, LIMB-GIRDLE, AUTOSOMAL RECESSIVE 10. Identifiers: Orphanet 140922, MedGen C1837342, MONDO:0012127, OMIM 608807.

Allele frequency attached by ClinVar (database versions not stated): ExAC 0.00001; gnomAD 0.00002; gnomAD exomes 0.00002; TOPMed 0.00004; ESP Exome Variant Server 0.00017.
gnomAD v4.1: 26 of 1,612,036 alleles (0.0016%); highest among the groups gnomAD compares: East Asian, 0.0045%; no homozygotes.

Submissions (6):

Labcorp Genetics (formerly Invitae), Labcorp
Classification: Likely benign for Dilated cardiomyopathy 1G; Autosomal recessive limb-girdle muscular dystrophy type 2J. Last evaluated: 2025-12-03. Review status: criteria provided, single submitter. Criteria: Invitae Variant Classification Sherloc (09022015). Collection method: clinical testing. Allele origin: germline.

CeGaT Center for Human Genetics Tuebingen
Classification: Likely benign. Last evaluated: 2023-11-01. Review status: criteria provided, single submitter. Criteria: CeGaT Center For Human Genetics Tuebingen Variant Classification Criteria Version 2. Collection method: clinical testing. Allele origin: germline. Affected: yes. Observed: 1 variant allele.
Comment: TTN: BP4, BP7

Ambry Genetics
Classification: Likely benign for Cardiovascular phenotype. Last evaluated: 2021-04-01. Review status: criteria provided, single submitter. Criteria: Ambry Variant Classification Scheme 2023. Collection method: clinical testing. Allele origin: germline.

CHEO Genetics Diagnostic Laboratory, Children's Hospital of Eastern Ontario
Classification: Likely benign for Cardiomyopathy. Last evaluated: 2020-12-21. Review status: criteria provided, single submitter. Criteria: ACMG Guidelines, 2015. Collection method: clinical testing. Allele origin: germline.

Eurofins Ntd Llc (ga)
Classification: Uncertain significance. Last evaluated: 2017-02-27. Review status: criteria provided, single submitter. Criteria: EGL Classification Definitions 2015. Collection method: clinical testing. Allele origin: germline. Observed: 1 variant allele, 1 heterozygote.

GeneDx
Classification: Likely benign. Last evaluated: 2017-01-20. Review status: criteria provided, single submitter. Criteria: GeneDx Variant Classification (06012015). Collection method: clinical testing. Allele origin: germline. Affected: yes.
Comment: This variant is considered likely benign or benign based on one or more of the following criteria: it is a conservative change, it occurs at a poorly conserved position in the protein, it is predicted to be benign by multiple in silico algorithms, and/or has population frequency not consistent with disease.

NM_001267550.2(TTN):c.76482C>T (p.Asp25494=)

Genes: TTN (titin; minus strand), TTN-AS1 (TTN antisense RNA 1; plus strand). Cytogenetic location: 2q31.2.
Variant type: single nucleotide variant.
Coding change: c.76482C>T on transcript NM_001267550.2 (MANE Select); coding-DNA position 76482, C replaced by T.
Protein change: p.Asp25494=; no amino-acid change (aspartic acid 25494 retained).
Molecular consequence: synonymous variant.
Genome position (GRCh38, 1-based): chr2:178,569,650, G>A on the plus strand (C>T on the coding strand, the complement: TTN is on the minus strand). VCF-style: chr2-178569650-G-A. GRCh37 (hg19) VCF-style: chr2-179434377-G-A.
Other names: c.71559C>T, p.Asp23853= (NM_001256850.1); c.49287C>T, p.Asp16429= (NM_003319.4); c.68778C>T, p.Asp22926= (NM_133378.4); c.49662C>T, p.Asp16554= (NM_133432.3); c.49863C>T, p.Asp16621= (NM_133437.4).
Identifiers: ClinVar variation 500623 (VCV000500623.42), dbSNP rs370908118, ClinGen allele CA1989906.